The following is an entry in ClinVar:

ClinVar aggregate classification (germline): Uncertain significance (1 of 4 stars; one submission).

gnomAD v4.1: 11 of 1,607,550 alleles (0.00068%); highest among the groups gnomAD compares: African/African-American, 0.0027%; no homozygotes.

Submission:

GeneDx
Classification: Uncertain significance. Last evaluated: 2025-06-01. Review status: criteria provided, single submitter. Criteria: GeneDx Variant Classification Process June 2021. Collection method: clinical testing. Allele origin: germline. Affected: yes.
Comment: Not observed at significant frequency in large population cohorts (gnomAD); In silico analysis supports that this missense variant has a deleterious effect on protein structure/function; Has not been previously published as pathogenic or benign to our knowledge

NM_001083614.2(EARS2):c.569G>T (p.Arg190Leu)

Gene: EARS2 (glutamyl-tRNA synthetase 2, mitochondrial; minus strand). Cytogenetic location: 16p12.2.
Variant type: single nucleotide variant.
Coding change: c.569G>T on transcript NM_001083614.2 (MANE Select); coding-DNA position 569, G replaced by T.
Protein change: p.Arg190Leu; replaces arginine 190 with leucine.
Molecular consequence: missense variant. On other transcripts: non-coding transcript variant (1).
Genome position (GRCh38, 1-based): chr16:23,535,277, C>A on the plus strand (G>T on the coding strand, the complement: EARS2 is on the minus strand). VCF-style: chr16-23535277-C-A. GRCh37 (hg19) VCF-style: chr16-23546598-C-A.
Other names: c.569G>T, p.Arg190Leu (NM_001308211.1); short protein forms R190L.
Identifiers: ClinVar variation 4532643 (VCV004532643.1).